The following is an entry in ClinVar:

ClinVar aggregate classification (germline): Uncertain significance (1 of 4 stars; one submission).

Conditions:
Familial thoracic aortic aneurysm and aortic dissection (TAAD). Also called: Thoracic aortic aneurysms and dissections. Identifiers: Orphanet 91387, MedGen C4707243, MONDO:0019625.

Submission:

Labcorp Genetics (formerly Invitae), Labcorp
Classification: Uncertain significance for Familial thoracic aortic aneurysm and aortic dissection. Last evaluated: 2022-01-23. Review status: criteria provided, single submitter. Criteria: Invitae Variant Classification Sherloc (09022015). Collection method: clinical testing. Allele origin: unknown.
Comment: In summary, the available evidence is currently insufficient to determine the role of this variant in disease. Therefore, it has been classified as a Variant of Uncertain Significance. This variant has not been reported in the literature in individuals affected with TGFBR1-related conditions. This variant results in a copy number gain of the genomic region encompassing exon(s) 1-3 of the TGFBR1 gene. This region includes the initiator codon of the gene. This copy number gain extends beyond the assayed region for this gene and therefore may encompass additional genes. As the precise location of this event is unknown, it may be in tandem or it may be located elsewhere in the genome.

NC_000009.11:g.(?_101867488)_(101895041_?)dup

Gene: TGFBR1 (transforming growth factor beta receptor 1; plus strand). Cytogenetic location: 9q22.33.
Variant type: Duplication.
Identifiers: ClinVar variation 3245270 (VCV003245270.1).